The following is an entry in ClinVar:

NM_001941.5(DSC3):c.1608G>A (p.Glu536=)

Gene: DSC3 (desmocollin 3; minus strand). Cytogenetic location: 18q12.1.
Variant type: single nucleotide variant.
Coding change: c.1608G>A on transcript NM_001941.5 (MANE Select); coding-DNA position 1608, G replaced by A.
Protein change: p.Glu536=; no amino-acid change (glutamic acid 536 retained).
Molecular consequence: synonymous variant.
Genome position (GRCh38, 1-based): chr18:31,008,071, C>T on the plus strand (G>A on the coding strand, the complement: DSC3 is on the minus strand). VCF-style: chr18-31008071-C-T. GRCh37 (hg19) VCF-style: chr18-28588037-C-T.
Other names: c.1608G>A, p.Glu536= (NM_024423.4).
Identifiers: ClinVar variation 3050367 (VCV003050367.2), dbSNP rs140923080, ClinGen allele CA8924245.

ClinVar aggregate classification (germline): Likely benign (0 of 4 stars; one submission).

Conditions:
DSC3-related disorder. Also called: DSC3-related condition.

Allele frequency attached by ClinVar (database versions not stated): gnomAD 0.00001; TOPMed 0.00002; ExAC 0.00004; gnomAD exomes 0.00005; ESP Exome Variant Server 0.00015.
gnomAD v4.1: 71 of 1,612,960 alleles (0.0044%); highest among the groups gnomAD compares: Middle Eastern, 0.016%; no homozygotes.

Submission:

PreventionGenetics, part of Exact Sciences
Classification: Likely benign for DSC3-related condition. Last evaluated: 2019-07-12. Review status: no assertion criteria provided. Collection method: clinical testing. Allele origin: germline.
Comment: This variant is classified as likely benign based on ACMG/AMP sequence variant interpretation guidelines (Richards et al. 2015 PMID: 25741868, with internal and published modifications).